The following is an entry in ClinVar:

NM_015474.4(SAMHD1):c.1321G>C (p.Ala441Pro)

Gene: SAMHD1 (SAM and HD domain containing deoxynucleoside triphosphate triphosphohydrolase 1; minus strand). Cytogenetic location: 20q11.23.
Variant type: single nucleotide variant.
Coding change: c.1321G>C on transcript NM_015474.4 (MANE Select); coding-DNA position 1321, G replaced by C.
Protein change: p.Ala441Pro; replaces alanine 441 with proline.
Molecular consequence: missense variant.
Genome position (GRCh38, 1-based): chr20:36,905,453, C>G on the plus strand (G>C on the coding strand, the complement: SAMHD1 is on the minus strand). VCF-style: chr20-36905453-C-G. GRCh37 (hg19) VCF-style: chr20-35533856-C-G.
Other names: c.1321G>C, p.Ala441Pro (NM_001363729.2, NM_001363733.2); short protein forms A441P.
Identifiers: ClinVar variation 571731 (VCV000571731.9), dbSNP rs1311797673, ClinGen allele CA408842369.

ClinVar aggregate classification (germline): Uncertain significance. Review status: criteria provided, single submitter (1 of 4 stars). 2 submissions from 2 submitters: Uncertain significance (1). 1 of the submissions does not count toward it. Last evaluated 2022-07-26.

Conditions:
Aicardi Goutieres syndrome (AGS). Also called: Encephalopathy, familial infantile, with calcification of basal ganglia and chronic cerebrospinal fluid lymphocytosis. Identifiers: Orphanet 51, MedGen C0393591, MONDO:0018866.
Aicardi-Goutieres syndrome 5. Identifiers: Orphanet 51, MedGen C2749659, MONDO:0013059, OMIM 612952.

Submissions (2):

Labcorp Genetics (formerly Invitae), Labcorp
Classification: Uncertain significance for Aicardi-Goutieres syndrome 5. Last evaluated: 2022-07-26. Review status: criteria provided, single submitter. Criteria: Invitae Variant Classification Sherloc (09022015). Collection method: clinical testing. Allele origin: germline.
Comment: This variant is not present in population databases (gnomAD no frequency). This sequence change replaces alanine, which is neutral and non-polar, with proline, which is neutral and non-polar, at codon 441 of the SAMHD1 protein (p.Ala441Pro). This variant has not been reported in the literature in individuals affected with SAMHD1-related conditions. In summary, the available evidence is currently insufficient to determine the role of this variant in disease. Therefore, it has been classified as a Variant of Uncertain Significance. Algorithms developed to predict the effect of missense changes on protein structure and function are either unavailable or do not agree on the potential impact of this missense change (SIFT: "Deleterious"; PolyPhen-2: "Possibly Damaging"; Align-GVGD: "Class C0"). ClinVar contains an entry for this variant (Variation ID: 571731).

Natera, Inc.
Classification: Uncertain significance for Aicardi-Goutieres syndrome. Last evaluated: 2020-11-25. Review status: no assertion criteria provided. Collection method: clinical testing. Allele origin: germline. Not counted in ClinVar's aggregate classification.